The following is an entry in ClinVar:

ClinVar aggregate classification (germline): Uncertain significance (1 of 4 stars; one submission).

Allele frequency attached by ClinVar (database versions not stated): gnomAD exomes below 0.00001; TOPMed 0.00001; ESP Exome Variant Server 0.00008.
gnomAD v4.1: 1 of 1,611,690 alleles (0.000062%); highest among the groups gnomAD compares: South Asian, 0.0011%; no homozygotes.

Submission:

Labcorp Genetics (formerly Invitae), Labcorp
Classification: Uncertain significance. Last evaluated: 2022-04-02. Review status: criteria provided, single submitter. Criteria: Invitae Variant Classification Sherloc (09022015). Collection method: clinical testing. Allele origin: germline.
Comment: This sequence change replaces threonine, which is neutral and polar, with isoleucine, which is neutral and non-polar, at codon 1251 of the MCM3AP protein (p.Thr1251Ile). This variant is not present in population databases (gnomAD no frequency). This variant has not been reported in the literature in individuals affected with MCM3AP-related conditions. Algorithms developed to predict the effect of missense changes on protein structure and function are either unavailable or do not agree on the potential impact of this missense change (SIFT: "Deleterious"; PolyPhen-2: "Benign"; Align-GVGD: "Class C15"). In summary, the available evidence is currently insufficient to determine the role of this variant in disease. Therefore, it has been classified as a Variant of Uncertain Significance.

NM_003906.5(MCM3AP):c.3752C>T (p.Thr1251Ile)

Gene: MCM3AP (minichromosome maintenance complex component 3 associated protein; minus strand). Cytogenetic location: 21q22.3.
Variant type: single nucleotide variant.
Coding change: c.3752C>T on transcript NM_003906.5 (MANE Select); coding-DNA position 3752, C replaced by T.
Protein change: p.Thr1251Ile; replaces threonine 1251 with isoleucine.
Molecular consequence: missense variant.
Genome position (GRCh38, 1-based): chr21:46,256,969, G>A on the plus strand (C>T on the coding strand, the complement: MCM3AP is on the minus strand). VCF-style: chr21-46256969-G-A. GRCh37 (hg19) VCF-style: chr21-47676883-G-A.
Other names: short protein forms T1251I.
Identifiers: ClinVar variation 1941199 (VCV001941199.5), dbSNP rs377767113, ClinGen allele CA321983833.